The following is an entry in ClinVar:

ClinVar aggregate classification (germline): Uncertain significance (1 of 4 stars; one submission).

Allele frequency attached by ClinVar (database versions not stated): gnomAD exomes below 0.00001 and 0.00001; gnomAD 0.00001; TOPMed 0.00001.
gnomAD v4.1: 7 of 1,595,268 alleles (0.00044%); highest among the groups gnomAD compares: African/African-American, 0.0041%; no homozygotes.

Submission:

Labcorp Genetics (formerly Invitae), Labcorp
Classification: Uncertain significance. Last evaluated: 2021-11-10. Review status: criteria provided, single submitter. Criteria: Invitae Variant Classification Sherloc (09022015). Collection method: clinical testing. Allele origin: germline.
Comment: This sequence change replaces histidine, which is basic and polar, with tyrosine, which is neutral and polar, at codon 5093 of the PCLO protein (p.His5093Tyr). This variant is present in population databases (no rsID available, gnomAD 0.002%). This variant has not been reported in the literature in individuals affected with PCLO-related conditions. Algorithms developed to predict the effect of missense changes on protein structure and function are either unavailable or do not agree on the potential impact of this missense change (SIFT: "Deleterious"; PolyPhen-2: "Not Available"; Align-GVGD: "Class C0"). In summary, the available evidence is currently insufficient to determine the role of this variant in disease. Therefore, it has been classified as a Variant of Uncertain Significance.

NM_033026.6(PCLO):c.15277C>T (p.His5093Tyr)

Gene: PCLO (piccolo presynaptic cytomatrix protein; minus strand). Cytogenetic location: 7q21.11.
Variant type: single nucleotide variant.
Coding change: c.15277C>T on transcript NM_033026.6 (MANE Select); coding-DNA position 15277, C replaced by T.
Protein change: p.His5093Tyr; replaces histidine 5093 with tyrosine.
Molecular consequence: missense variant.
Genome position (GRCh38, 1-based): chr7:82,760,650, G>A on the plus strand (C>T on the coding strand, the complement: PCLO is on the minus strand). VCF-style: chr7-82760650-G-A. GRCh37 (hg19) VCF-style: chr7-82389966-G-A.
Other names: short protein forms H5093Y.
Identifiers: ClinVar variation 1349085 (VCV001349085.6), dbSNP rs905211735, ClinGen allele CA161686486.